The following is an entry in ClinVar:

ClinVar aggregate classification (germline): Uncertain significance (1 of 4 stars; one submission).

Conditions:
Duchenne muscular dystrophy (DMD). Also called: MUSCULAR DYSTROPHY, PSEUDOHYPERTROPHIC PROGRESSIVE, DUCHENNE TYPE; Duchenne Muscular Dystrophy (DMD). Identifiers: Orphanet 98896, MedGen C0013264, MONDO:0010679, OMIM 310200.

Submission:

Labcorp Genetics (formerly Invitae), Labcorp
Classification: Uncertain significance for Duchenne muscular dystrophy. Last evaluated: 2022-05-25. Review status: criteria provided, single submitter. Criteria: Invitae Variant Classification Sherloc (09022015). Collection method: clinical testing. Allele origin: germline.
Comment: This variant is not present in population databases (gnomAD no frequency). This variant has not been reported in the literature in individuals affected with DMD-related conditions. Algorithms developed to predict the effect of missense changes on protein structure and function (SIFT, PolyPhen-2, Align-GVGD) all suggest that this variant is likely to be tolerated. In summary, the available evidence is currently insufficient to determine the role of this variant in disease. Therefore, it has been classified as a Variant of Uncertain Significance. This sequence change replaces glutamine, which is neutral and polar, with glutamic acid, which is acidic and polar, at codon 893 of the DMD protein (p.Gln893Glu).

NM_004006.3(DMD):c.2677C>G (p.Gln893Glu)

Gene: DMD (dystrophin; minus strand). Cytogenetic location: Xp21.1.
Variant type: single nucleotide variant.
Coding change: c.2677C>G on transcript NM_004006.3 (MANE Select); coding-DNA position 2677, C replaced by G.
Protein change: p.Gln893Glu; replaces glutamine 893 with glutamic acid.
Molecular consequence: missense variant.
Genome position (GRCh38, 1-based): chrX:32,485,045, G>C on the plus strand (C>G on the coding strand, the complement: DMD is on the minus strand). VCF-style: chrX-32485045-G-C. GRCh37 (hg19) VCF-style: chrX-32503162-G-C.
Other names: c.2653C>G, p.Gln885Glu (NM_000109.4); c.2665C>G, p.Gln889Glu (NM_004009.3); c.2308C>G, p.Gln770Glu (NM_004010.3); short protein forms Q770E, Q889E, Q885E, Q893E.
Identifiers: ClinVar variation 2170795 (VCV002170795.4), dbSNP rs1216832424, ClinGen allele CA412670957.
Genomic context (GRCh38, chrX:32,485,045, plus strand): 5'-CCACAAAGTCTGCATCCAGGAACATGGGTCCTTGTCCTTTCTCTTTCAGGGCTATGCTTT[G>C]AATTTTTAATCGTTCAATTTGAGGTTGAAGATCTGATAGCCGGTTGACTTCATCCTGTGC-3'
Protein context (NP_003997.2, residues 883-903): LQPQIERLKI[Gln893Glu]SIALKEKGQG